The following is an entry in ClinVar:

NM_032447.5(FBN3):c.8161G>C (p.Glu2721Gln)

Gene: FBN3 (fibrillin 3; minus strand). Cytogenetic location: 19p13.2.
Variant type: single nucleotide variant.
Coding change: c.8161G>C on transcript NM_032447.5 (MANE Select); coding-DNA position 8161, G replaced by C.
Protein change: p.Glu2721Gln; replaces glutamic acid 2721 with glutamine.
Molecular consequence: missense variant.
Genome position (GRCh38, 1-based): chr19:8,066,188, C>G on the plus strand (G>C on the coding strand, the complement: FBN3 is on the minus strand). VCF-style: chr19-8066188-C-G. GRCh37 (hg19) VCF-style: chr19-8131072-C-G.
Other names: c.8161G>C (NM_032447.3); c.8161G>C, p.Glu2721Gln (NM_001321431.2); short protein forms E2721Q.
Identifiers: ClinVar variation 2178663 (VCV002178663.6), dbSNP rs558440722, ClinGen allele CA9150619.

ClinVar aggregate classification (germline): Uncertain significance. Review status: criteria provided, multiple submitters, no conflicts (2 of 4 stars). 2 submissions from 2 submitters: Uncertain significance (2). Last evaluated 2025-06-12.

gnomAD v4.1: 241 of 1,611,032 alleles (0.015%); highest among the groups gnomAD compares: Non-Finnish European, 0.02%; no homozygotes.

Submissions (2):

Labcorp Genetics (formerly Invitae), Labcorp
Classification: Uncertain significance. Last evaluated: 2025-06-12. Review status: criteria provided, single submitter. Criteria: Invitae Variant Classification Sherloc (09022015). Collection method: clinical testing. Allele origin: germline.
Comment: This sequence change replaces glutamic acid, which is acidic and polar, with glutamine, which is neutral and polar, at codon 2721 of the FBN3 protein (p.Glu2721Gln). This variant is present in population databases (rs558440722, gnomAD 0.01%). This variant has not been reported in the literature in individuals affected with FBN3-related conditions. ClinVar contains an entry for this variant (Variation ID: 2178663). Invitae Evidence Modeling of protein sequence and biophysical properties (such as structural, functional, and spatial information, amino acid conservation, physicochemical variation, residue mobility, and thermodynamic stability) indicates that this missense variant is not expected to disrupt FBN3 protein function with a negative predictive value of 80%. In summary, the available evidence is currently insufficient to determine the role of this variant in disease. Therefore, it has been classified as a Variant of Uncertain Significance.

Ambry Genetics
Classification: Uncertain significance. Last evaluated: 2025-04-14. Review status: criteria provided, single submitter. Criteria: Ambry Variant Classification Scheme 2023. Collection method: clinical testing. Allele origin: germline.